The following is an entry in ClinVar:

NM_015865.7(SLC14A1):c.588A>G (p.Pro196=)

Gene: SLC14A1 (solute carrier family 14 member 1 (Kidd blood group); plus strand). Cytogenetic location: 18q12.3.
Variant type: single nucleotide variant.
Coding change: c.588A>G on transcript NM_015865.7 (MANE Select); coding-DNA position 588, A replaced by G.
Protein change: p.Pro196=; no amino-acid change (proline 196 retained).
Molecular consequence: synonymous variant.
Genome position (GRCh38, 1-based): chr18:45,736,573, A>G. VCF-style: chr18-45736573-A-G. GRCh37 (hg19) VCF-style: chr18-43316538-A-G.
Other names: c.756A>G, p.Pro252= (NM_001128588.4, NM_001146037.1); c.588A>G, p.Pro196= (NM_001146036.3); c.273A>G, p.Pro91= (NM_001308278.2); c.192A>G, p.Pro64= (NM_001308279.2).
Identifiers: ClinVar variation 3059083 (VCV003059083.2), dbSNP rs2298718, ClinGen allele CA8947430.
Genomic context (GRCh38, chr18:45,736,573, plus strand): 5'-CACCCTCCCTTTCAACATGGCGTTGTCAATGTACCTTTCAGCCACAGGACATTACAATCC[A>G]TTCTTTCCAGCCAAACTGGTCATACCTATAACTACAGCTCCAAATATCTCCTGGTCTGAC-3'
Protein context (NP_056949.4, residues 186-206): MYLSATGHYN[Pro196=]FFPAKLVIPI

ClinVar aggregate classification (germline): Benign (0 of 4 stars; one submission).

Conditions:
SLC14A1-related disorder. Also called: SLC14A1-related condition.

Allele frequency attached by ClinVar (database versions not stated): gnomAD exomes 0.58037; ESP Exome Variant Server 0.58135; gnomAD 0.61391; TOPMed 0.62124; ExAC 0.63573; 1000 Genomes Project 30x 0.70971; 1000 Genomes Project 0.71126.
gnomAD v4.1: 942,016 of 1,613,580 alleles (58%); highest among the groups gnomAD compares: East Asian, 93%; 280,703 homozygotes.

Submission:

PreventionGenetics, part of Exact Sciences
Classification: Benign for SLC14A1-related condition. Last evaluated: 2019-10-17. Review status: no assertion criteria provided. Collection method: clinical testing. Allele origin: germline.
Comment: This variant is classified as benign based on ACMG/AMP sequence variant interpretation guidelines (Richards et al. 2015 PMID: 25741868, with internal and published modifications).